The following is an entry in ClinVar:

ClinVar aggregate classification (germline): Pathogenic. Review status: criteria provided, single submitter (1 of 4 stars). 2 submissions from 2 submitters: Pathogenic (1). 1 of the submissions does not count toward it. Last evaluated 2025-03-18.

Conditions:
MHC class I deficiency 2. Identifiers: MedGen C5935617, MONDO:0971011, OMIM 620813.
MHC class I deficiency. Identifiers: Orphanet 34592, MedGen C6024714, MONDO:0011476.

Submissions (2):

Labcorp Genetics (formerly Invitae), Labcorp
Classification: Pathogenic for MHC class I deficiency 1. Last evaluated: 2025-03-18. Review status: criteria provided, single submitter. Criteria: Invitae Variant Classification Sherloc (09022015). Collection method: clinical testing. Allele origin: germline.
Comment: This sequence change creates a premature translational stop signal (p.Gln125Argfs*8) in the TAP2 gene. It is expected to result in an absent or disrupted protein product. Loss-of-function variants in TAP2 are known to be pathogenic (PMID: 7517574, 11529920, 12067308, 23662797). This variant is not present in population databases (gnomAD no frequency). This premature translational stop signal has been observed in individual(s) with TAP2-related conditions (PMID: 36229627). ClinVar contains an entry for this variant (Variation ID: 1456619). For these reasons, this variant has been classified as Pathogenic.

OMIM
Classification: Pathogenic for MHC CLASS I DEFICIENCY 2. Last evaluated: 2024-05-21. Review status: no assertion criteria provided. Collection method: literature only. Allele origin: germline. Not counted in ClinVar's aggregate classification.

Literature cited by the submitters: PubMed 7517574 (cited by Labcorp Genetics (formerly Invitae), Labcorp); PubMed 11529920 (cited by Labcorp Genetics (formerly Invitae), Labcorp); PubMed 12067308 (cited by Labcorp Genetics (formerly Invitae), Labcorp); PubMed 23662797 (cited by Labcorp Genetics (formerly Invitae), Labcorp); PubMed 36229627 (cited by Labcorp Genetics (formerly Invitae), Labcorp and OMIM).

NM_001290043.2(TAP2):c.373del (p.Gln125fs)

Gene: TAP2 (transporter 2, ATP binding cassette subfamily B member; minus strand). Cytogenetic location: 6p21.32.
Variant type: Deletion.
Coding change: c.373del on transcript NM_001290043.2 (MANE Select); coding-DNA position 373, one base deleted (C; older notation c.373delC).
Protein change: p.Gln125fs; shifts the reading frame from glutamine 125.
Molecular consequence: frameshift variant.
Genome position (GRCh38, 1-based): chr6:32,837,861, G deleted on the plus strand (C on the coding strand, the reverse complement: TAP2 is on the minus strand); the first of 3 consecutive G bases (chr6:32,837,861-32,837,863); deleting any one gives the same sequence. VCF-style (leftmost placement, unchanged base first): chr6-32837860-TG-T. GRCh37 (hg19) VCF-style: chr6-32805637-TG-T.
Other names: c.373del, p.Gln125fs (NM_000544.3, NM_018833.3); short protein forms Q125fs.
Identifiers: ClinVar variation 1456619 (VCV001456619.7), dbSNP rs2127367497, ClinGen allele CA2573140274.